The following is an entry in ClinVar:

ClinVar aggregate classification (germline): Uncertain significance (1 of 4 stars; one submission).

Conditions:
Cardiovascular phenotype. Identifiers: MedGen CN230736.

Submission:

Ambry Genetics
Classification: Uncertain significance for Cardiovascular phenotype. Last evaluated: 2026-07-26. Review status: criteria provided, single submitter. Criteria: Ambry Variant Classification Scheme 2023. Collection method: clinical testing. Allele origin: germline.
Comment: The p.T320K variant (also known as c.959C>A), located in coding exon 1 of the ZNF469 gene, results from a C to A substitution at nucleotide position 959. The threonine at codon 320 is replaced by lysine, an amino acid with similar properties. This amino acid position is conserved. In addition, this alteration is predicted to be tolerated by in silico analysis. Based on the available evidence, the clinical significance of this variant remains unclear.

NM_001367624.2(ZNF469):c.959C>A (p.Thr320Lys)

Gene: ZNF469 (zinc finger protein 469; plus strand). Cytogenetic location: 16q24.2.
Variant type: single nucleotide variant.
Coding change: c.959C>A on transcript NM_001367624.2 (MANE Select); coding-DNA position 959, C replaced by A.
Protein change: p.Thr320Lys; replaces threonine 320 with lysine.
Molecular consequence: missense variant.
Genome position (GRCh38, 1-based): chr16:88,428,429, C>A. VCF-style: chr16-88428429-C-A. GRCh37 (hg19) VCF-style: chr16-88494837-C-A.
Other names: NM_001127464.1:c.959C>A; short protein forms T320K.
Identifiers: ClinVar variation 5032233 (VCV005032233.1).